The following is an entry in ClinVar:

ClinVar aggregate classification (germline): Uncertain significance. Review status: criteria provided, multiple submitters, no conflicts (2 of 4 stars). 2 submissions from 2 submitters: Uncertain significance (2). Last evaluated 2026-01-01.

Allele frequency attached by ClinVar (database versions not stated): gnomAD exomes below 0.00001; gnomAD 0.00001.
gnomAD v4.1: 6 of 1,584,664 alleles (0.00038%); highest among the groups gnomAD compares: African/African-American, 0.0054%; no homozygotes.

Submissions (2):

Labcorp Genetics (formerly Invitae), Labcorp
Classification: Uncertain significance. Last evaluated: 2026-01-01. Review status: criteria provided, single submitter. Criteria: Invitae Variant Classification Sherloc (09022015). Collection method: clinical testing. Allele origin: germline.
Comment: This sequence change replaces arginine, which is basic and polar, with histidine, which is basic and polar, at codon 109 of the KLHDC8B protein (p.Arg109His). The frequency data for this variant in the population databases is considered unreliable, as metrics indicate poor data quality at this position in the gnomAD database. This variant has not been reported in the literature in individuals affected with KLHDC8B-related conditions. ClinVar contains an entry for this variant (Variation ID: 3115434). An algorithm developed to predict the effect of missense changes on protein structure and function outputs the following: PolyPhen-2: "Benign". The histidine amino acid residue is found in multiple mammalian species, which suggests that this missense change does not adversely affect protein function. In summary, the available evidence is currently insufficient to determine the role of this variant in disease. Therefore, it has been classified as a Variant of Uncertain Significance.

Ambry Genetics
Classification: Uncertain significance. Last evaluated: 2023-10-20. Review status: criteria provided, single submitter. Criteria: Ambry Variant Classification Scheme 2023. Collection method: clinical testing. Allele origin: germline.

NM_173546.3(KLHDC8B):c.326G>A (p.Arg109His)

Gene: KLHDC8B (kelch domain containing 8B; plus strand). Cytogenetic location: 3p21.31.
Variant type: single nucleotide variant.
Coding change: c.326G>A on transcript NM_173546.3 (MANE Select); coding-DNA position 326, G replaced by A.
Protein change: p.Arg109His; replaces arginine 109 with histidine.
Molecular consequence: missense variant.
Genome position (GRCh38, 1-based): chr3:49,173,095, G>A. VCF-style: chr3-49173095-G-A. GRCh37 (hg19) VCF-style: chr3-49210528-G-A.
Other names: short protein forms R109H.
Identifiers: ClinVar variation 3115434 (VCV003115434.2), dbSNP rs1419742528, ClinGen allele CA352776318.